The following is an entry in ClinVar:

NM_006939.4(SOS2):c.3565G>A (p.Val1189Ile)

Gene: SOS2 (SOS Ras/Rho guanine nucleotide exchange factor 2; minus strand). Cytogenetic location: 14q21.3.
Variant type: single nucleotide variant.
Coding change: c.3565G>A on transcript NM_006939.4 (MANE Select); coding-DNA position 3565, G replaced by A.
Protein change: p.Val1189Ile; replaces valine 1189 with isoleucine.
Molecular consequence: missense variant.
Genome position (GRCh38, 1-based): chr14:50,118,778, C>T on the plus strand (G>A on the coding strand, the complement: SOS2 is on the minus strand). VCF-style: chr14-50118778-C-T. GRCh37 (hg19) VCF-style: chr14-50585496-C-T.
Other names: c.3466G>A, p.Val1156Ile (NM_001411020.1); short protein forms V1156I, V1189I.
Identifiers: ClinVar variation 3321571 (VCV003321571.2).
Genomic context (GRCh38, chr14:50,118,778, plus strand): 5'-TTGGTGGTGGCGGAGGTGGACTATGCAGAGGCCCATCAAATGCACCAGTAGGAACAGGAA[C>T]TCTGGGTTTTACCTTTGGAGGAGGAGGCTGTCTCGGTGGAATAGCAGGAGGATCATCATC-3'
Protein context (NP_008870.2, residues 1179-1199): QPPPPKVKPR[Val1189Ile]PVPTGAFDGP

ClinVar aggregate classification (germline): Uncertain significance. Review status: criteria provided, multiple submitters, no conflicts (2 of 4 stars). 2 submissions from 2 submitters: Uncertain significance (2). Last evaluated 2025-06-11.

Conditions:
Noonan syndrome 9 (NS9). Identifiers: Orphanet 648, MedGen C4225282, MONDO:0014691, OMIM 616559.
Cardiovascular phenotype. Identifiers: MedGen CN230736.

Submissions (2):

Labcorp Genetics (formerly Invitae), Labcorp
Classification: Uncertain significance for Noonan syndrome 9. Last evaluated: 2025-06-11. Review status: criteria provided, single submitter. Criteria: Invitae Variant Classification Sherloc (09022015). Collection method: clinical testing. Allele origin: germline.
Comment: This sequence change replaces valine, which is neutral and non-polar, with isoleucine, which is neutral and non-polar, at codon 1189 of the SOS2 protein (p.Val1189Ile). This variant is not present in population databases (gnomAD no frequency). This variant has not been reported in the literature in individuals affected with SOS2-related conditions. ClinVar contains an entry for this variant (Variation ID: 3321571). Invitae Evidence Modeling of protein sequence and biophysical properties (such as structural, functional, and spatial information, amino acid conservation, physicochemical variation, residue mobility, and thermodynamic stability) indicates that this missense variant is not expected to disrupt SOS2 protein function with a negative predictive value of 95%. In summary, the available evidence is currently insufficient to determine the role of this variant in disease. Therefore, it has been classified as a Variant of Uncertain Significance.

Ambry Genetics
Classification: Uncertain significance for Cardiovascular phenotype. Last evaluated: 2024-06-18. Review status: criteria provided, single submitter. Criteria: Ambry Variant Classification Scheme 2023. Collection method: clinical testing. Allele origin: germline.